The following is an entry in ClinVar:

NM_000051.4(ATM):c.4241C>G (p.Ser1414Cys)

Gene: ATM (ATM serine/threonine kinase; plus strand). Cytogenetic location: 11q22.3.
Variant type: single nucleotide variant.
Coding change: c.4241C>G on transcript NM_000051.4 (MANE Select); coding-DNA position 4241, C replaced by G.
Protein change: p.Ser1414Cys; replaces serine 1414 with cysteine.
Molecular consequence: missense variant.
Genome position (GRCh38, 1-based): chr11:108,289,606, C>G. VCF-style: chr11-108289606-C-G. GRCh37 (hg19) VCF-style: chr11-108160333-C-G.
Other names: c.4241C>G, p.Ser1414Cys (NM_001351834.2); short protein forms S1414C.
Identifiers: ClinVar variation 231676 (VCV000231676.5), dbSNP rs876659292, ClinGen allele CA10579140.

ClinVar aggregate classification (germline): Uncertain significance (1 of 4 stars; one submission).

Conditions:
Hereditary cancer-predisposing syndrome. Also called: Neoplastic Syndromes, Hereditary; Tumor predisposition; Hereditary Cancer Syndrome; Hereditary neoplastic syndrome. Identifiers: Orphanet 140162, MedGen C0027672, MeSH D009386, MONDO:0015356.

Submission:

Ambry Genetics
Classification: Uncertain significance for Hereditary cancer-predisposing syndrome. Last evaluated: 2015-05-06. Review status: criteria provided, single submitter. Criteria: Ambry Variant Classification Scheme 2023. Collection method: clinical testing. Allele origin: germline.
Comment: The p.S1414C variant (also known as c.4241C>G), located in coding exon 28 of the ATM gene, results from a C to G substitution at nucleotide position 4241. The serine at codon 1414 is replaced by cysteine, an amino acid with dissimilar properties. This variant was not reported in population based cohorts in the following databases: Database of Single Nucleotide Polymorphisms (dbSNP), NHLBI Exome Sequencing Project (ESP), and 1000 Genomes Project. In the ESP, this variant was not observed in 6487 samples (12974 alleles) with coverage at this position. To date, this alteration has been detected with an allele frequency of approximately 0.002% (greater than 66000 alleles tested) in our clinical cohort. This amino acid position is highly conserved in available vertebrate species. In addition, this alteration is predicted to be deleterious by in silico analysis. Since supporting evidence is limited at this time, the clinical significance of p.S1414C remains unclear.